The following is an entry in ClinVar:

ClinVar aggregate classification (germline): Uncertain significance (1 of 4 stars; one submission).

Conditions:
Joubert syndrome. Also called: JOUBERT-BOLTSHAUSER SYNDROME; Familial aplasia of the vermis. Identifiers: Orphanet 475, MedGen C5979921, MONDO:0018772.
Meckel-Gruber syndrome. Also called: DYSENCEPHALIA SPLANCHNOCYSTICA; GRUBER SYNDROME; Dysencephalia splachnocystica. Identifiers: Orphanet 564, MedGen C0265215, MONDO:0018921.

Allele frequency attached by ClinVar (database versions not stated): gnomAD exomes below 0.00001.
gnomAD v4.1: 3 of 1,582,910 alleles (0.00019%); highest among the groups gnomAD compares: Non-Finnish European, 0.00026%; no homozygotes.

Submission:

Labcorp Genetics (formerly Invitae), Labcorp
Classification: Uncertain significance for Joubert syndrome; Meckel-Gruber syndrome. Last evaluated: 2021-09-17. Review status: criteria provided, single submitter. Criteria: Invitae Variant Classification Sherloc (09022015). Collection method: clinical testing. Allele origin: germline.
Comment: This variant is not present in population databases (ExAC no frequency). This sequence change replaces asparagine with serine at codon 527 of the CC2D2A protein (p.Asn527Ser). The asparagine residue is moderately conserved and there is a small physicochemical difference between asparagine and serine. This variant has not been reported in the literature in individuals affected with CC2D2A-related conditions. In summary, the available evidence is currently insufficient to determine the role of this variant in disease. Therefore, it has been classified as a Variant of Uncertain Significance. Advanced modeling of protein sequence and biophysical properties (such as structural, functional, and spatial information, amino acid conservation, physicochemical variation, residue mobility, and thermodynamic stability) performed at Invitae indicates that this missense variant is not expected to disrupt CC2D2A protein function.

NM_001378615.1(CC2D2A):c.1580A>G (p.Asn527Ser)

Genes: CC2D2A (coiled-coil and C2 domain containing 2A; plus strand), FBXL5 (F-box and leucine rich repeat protein 5; minus strand). Cytogenetic location: 4p15.32.
Variant type: single nucleotide variant.
Coding change: c.1580A>G on transcript NM_001378615.1 (MANE Select); coding-DNA position 1580, A replaced by G.
Protein change: p.Asn527Ser; replaces asparagine 527 with serine.
Molecular consequence: missense variant.
Genome position (GRCh38, 1-based): chr4:15,533,306, A>G. VCF-style: chr4-15533306-A-G. GRCh37 (hg19) VCF-style: chr4-15534929-A-G.
Other names: c.1580A>G, p.Asn527Ser (NM_001080522.2); c.1433A>G, p.Asn478Ser (NM_001378617.1); short protein forms N478S, N527S.
Identifiers: ClinVar variation 1514222 (VCV001514222.6), dbSNP rs2109029921, ClinGen allele CA356411082.